The following is an entry in ClinVar:

ClinVar aggregate classification (germline): Likely benign. Review status: criteria provided, multiple submitters, no conflicts (2 of 4 stars). 2 submissions from 2 submitters: Likely benign (2). Last evaluated 2023-11-27.

Conditions:
Neuronal ceroid lipofuscinosis 7 (CLN7). Also called: MFSD8-Related Neuronal Ceroid-Lipofuscinosis. Identifiers: Orphanet 168491, Orphanet 228366, MedGen C1838571, MONDO:0012588, OMIM 610951.

Allele frequency attached by ClinVar (database versions not stated): gnomAD exomes below 0.00001; ExAC 0.00001.
gnomAD v4.1: 1 of 1,613,854 alleles (0.000062%); highest among the groups gnomAD compares: Non-Finnish European, 0.000085%; no homozygotes.

Submissions (2):

Labcorp Genetics (formerly Invitae), Labcorp
Classification: Likely benign for Neuronal ceroid lipofuscinosis 7. Last evaluated: 2023-11-27. Review status: criteria provided, single submitter. Criteria: Invitae Variant Classification Sherloc (09022015). Collection method: clinical testing. Allele origin: germline.

GeneDx
Classification: Likely benign. Last evaluated: 2017-10-10. Review status: criteria provided, single submitter. Criteria: GeneDx Variant Classification (06012015). Collection method: clinical testing. Allele origin: germline. Affected: yes.
Comment: This variant is considered likely benign or benign based on one or more of the following criteria: it is a conservative change, it occurs at a poorly conserved position in the protein, it is predicted to be benign by multiple in silico algorithms, and/or has population frequency not consistent with disease.

NM_001371596.2(MFSD8):c.1102+14T>C

Gene: MFSD8 (major facilitator superfamily domain containing 8; minus strand). Cytogenetic location: 4q28.2.
Variant type: single nucleotide variant.
Coding change: c.1102+14T>C on transcript NM_001371596.2 (MANE Select); 14 bases into the intron after coding-DNA position 1102, T replaced by C.
Molecular consequence: intron variant.
Genome position (GRCh38, 1-based): chr4:127,921,846, A>G on the plus strand (T>C on the coding strand, the complement: MFSD8 is on the minus strand). VCF-style: chr4-127921846-A-G. GRCh37 (hg19) VCF-style: chr4-128843001-A-G.
Other names: c.820+14T>C (NM_001371595.1); c.652+14T>C (NM_001410765.1); c.967+14T>C (NM_001371590.2); c.1102+14T>C (NM_152778.4, NM_001371591.2); c.787+14T>C (NM_001363521.3); c.885-75T>C (NM_001410766.1); c.988+14T>C (NM_001371593.2); c.901+14T>C (NM_001363520.3); and 2 more.
Identifiers: ClinVar variation 512526 (VCV000512526.6), dbSNP rs765323039, ClinGen allele CA3077296.
Genomic context (GRCh38, chr4:127,921,846, plus strand): 5'-CCATTGCAGTGCATTACTTGTTGATTTTAGATAAATAACAGAGGTTAACATTATAGAATT[A>G]TGTATGGCTATACCTTCCCACTGTATTTTGGGAAATTGATTTCCCCAAGGTAACAAGATA-3'